The following is an entry in ClinVar:

NM_014244.5(ADAMTS2):c.109_120delinsCG (p.Ala37fs)

Gene: ADAMTS2 (ADAM metallopeptidase with thrombospondin type 1 motif 2; minus strand). Cytogenetic location: 5q35.3.
Variant type: Indel.
Coding change: c.109_120delinsCG on transcript NM_014244.5 (MANE Select); coding-DNA positions 109 to 120, GCCAGGCTCGCC replaced by CG.
Protein change: p.Ala37fs; shifts the reading frame from alanine 37.
Molecular consequence: frameshift variant.
Genome position (GRCh38, 1-based): chr5:179,345,209-179,345,220, GGCGAGCCTGGC replaced by CG on the plus strand (GCCAGGCTCGCC replaced by CG on the coding strand, the reverse complement: ADAMTS2 is on the minus strand). VCF-style: chr5-179345209-GGCGAGCCTGGC-CG. GRCh37 (hg19) VCF-style: chr5-178772210-GGCGAGCCTGGC-CG.
Other names: c.109_120delinsCG, p.Ala37fs (NM_021599.4); short protein forms A37fs.
Identifiers: ClinVar variation 5010970 (VCV005010970.1).

ClinVar aggregate classification (germline): Pathogenic (1 of 4 stars; one submission).

Conditions:
Ehlers-Danlos syndrome, dermatosparaxis type. Also called: EDS VIIC; Dermatosparaxis; Ehlers-Danlos syndrome, type VII, autosomal recessive. Identifiers: Orphanet 1901, MedGen C2700425, MONDO:0009161, OMIM 225410.

Submission:

Myriad Genetics, Inc.
Classification: Pathogenic for Ehlers-Danlos syndrome, dermatosparaxis type. Last evaluated: 2024-05-14. Review status: criteria provided, single submitter. Criteria: Myriad Autosomal Dominant, Autosomal Recessive and X-Linked Classification Criteria (2023). Collection method: clinical testing. Allele origin: unknown.
Comment: NM_014244.4(ADAMTS2):c.109_120del12ins2(A37Rfs*125) is expected to be pathogenic in the context of Ehlers-Danlos syndrome, ADAMTS2-related. This variant is predicted to lead to an abnormal or absent protein product due to the creation of a premature termination codon in ADAMTS2, a gene where loss-of-function variants are known to be pathogenic. Please note: this variant was assessed in the context of healthy population screening.